The following is an entry in ClinVar:

ClinVar aggregate classification (germline): Uncertain significance (1 of 4 stars; one submission).

Conditions:
Cardiovascular phenotype. Identifiers: MedGen CN230736.

Allele frequency attached by ClinVar (database versions not stated): gnomAD exomes below 0.00001; TOPMed below 0.00001.

Submission:

Ambry Genetics
Classification: Uncertain significance for Cardiovascular phenotype. Last evaluated: 2021-08-14. Review status: criteria provided, single submitter. Criteria: Ambry Variant Classification Scheme 2023. Collection method: clinical testing. Allele origin: germline.
Comment: The p.S2429Y variant (also known as c.7286C>A), located in coding exon 2 of the ZNF469 gene, results from a C to A substitution at nucleotide position 7286. The serine at codon 2429 is replaced by tyrosine, an amino acid with dissimilar properties. This amino acid position is conserved. In addition, this alteration is predicted to be tolerated by in silico analysis. Since supporting evidence is limited at this time, the clinical significance of this alteration remains unclear.

NM_001367624.2(ZNF469):c.7370C>A (p.Ser2457Tyr)

Gene: ZNF469 (zinc finger protein 469; plus strand). Cytogenetic location: 16q24.2.
Variant type: single nucleotide variant.
Coding change: c.7370C>A on transcript NM_001367624.2 (MANE Select); coding-DNA position 7370, C replaced by A.
Protein change: p.Ser2457Tyr; replaces serine 2457 with tyrosine.
Molecular consequence: missense variant.
Genome position (GRCh38, 1-based): chr16:88,434,840, C>A. VCF-style: chr16-88434840-C-A. GRCh37 (hg19) VCF-style: chr16-88501248-C-A.
Other names: NM_001127464.1:c.7286C>A; short protein forms S2457Y.
Identifiers: ClinVar variation 1758082 (VCV001758082.2), dbSNP rs1296339415, ClinGen allele CA397109833.
Genomic context (GRCh38, chr16:88,434,840, plus strand): 5'-ACCCCCTCGGCCCCCAAGACCTCAAACAGAGGTCCCGTGGCTATAAAAAGAAGCCTGCAT[C>A]TACAGAGAACGGCCAGTGGAAGGGCCAAGCTCCACATGGGCCTGTGACCTGTGAGGTCTG-3'
Protein context (NP_001354553.1, residues 2447-2467): RSRGYKKKPA[Ser2457Tyr]TENGQWKGQA